The following is an entry in ClinVar:

NM_000394.4(CRYAA):c.160C>T (p.Arg54Cys)

Gene: CRYAA (crystallin alpha A; plus strand). Cytogenetic location: 21q22.3.
Variant type: single nucleotide variant.
Coding change: c.160C>T on transcript NM_000394.4 (MANE Select); coding-DNA position 160, C replaced by T.
Protein change: p.Arg54Cys; replaces arginine 54 with cysteine.
Molecular consequence: missense variant.
Genome position (GRCh38, 1-based): chr21:43,169,259, C>T. VCF-style: chr21-43169259-C-T. GRCh37 (hg19) VCF-style: chr21-44589369-C-T.
Other names: short protein forms R54C.
Identifiers: ClinVar variation 68457 (VCV000068457.20), dbSNP rs397515623, ClinGen allele CA214996.

ClinVar aggregate classification (germline): Pathogenic/Likely pathogenic. Review status: criteria provided, multiple submitters, no conflicts (2 of 4 stars). 8 submissions from 8 submitters: Pathogenic (4); Likely pathogenic (2). 2 of the submissions do not count toward it. Last evaluated 2026-07-06.

Conditions:
CRYAA-related disorder. Also called: CRYAA-related condition.
Developmental cataract. Also called: Bilateral cataracts; Congenital cataract; Congenital cataracts. Identifiers: MedGen C0009691, HP:0000519.
Cataract 9 multiple types. Also called: Cataract 9, multiple types, with or without microcornea; Cataract, autosomal recessive congenital 1. Identifiers: Orphanet 1377, MedGen C1858679, MONDO:0011413, OMIM 604219.

Allele frequency attached by ClinVar (database versions not stated): gnomAD 0.00003.

Submissions (8):

PreventionGenetics, part of Exact Sciences
Classification: Pathogenic for CRYAA-related condition. Last evaluated: 2026-07-06. Review status: criteria provided, single submitter. Criteria: ACMG Guidelines, 2015. Collection method: clinical testing. Allele origin: germline.
Comment: The CRYAA c.160C>T variant is predicted to result in the amino acid substitution p.Arg54Cys. This variant has been reported in the context of both autosomal dominant and autosomal recessive cataracts (Devi et al. 2008. PubMed ID: 18587492; Khan et al 2007. PubMed ID: 17937925). In a family with autosomal recessive cataracts, two homozygous sibling were affected while both heterozygous parents and a heterozygous sibling had minor lens opacities (Khan et al 2007. PubMed ID: 17937925). Functional studies showed that this variant led to changes in the secondary and tertiary structures of the protein (Kore et al. 2011. PubMed ID: 22045060) and caused protein aggregation; however, the aggregation was not as pronounced as other CRYAA variants (Raju et al. 2011. PubMed ID: 22140512; Raju I et al 2012. PubMed ID: 22347476). At PreventionGenetics, we have detected this variant in the heterozygous state in at least six patients undergoing testing for early onset cataracts (Internal Data). This variant is reported in 0.0065% of alleles in individuals of European (Non-Finnish) descent in gnomAD. Of note, other variants impacting the same amino acid (p.Arg54Pro and p.Arg54Leu), have also been reported in cases of both autosomal dominant and autosomal recessive inherited cataracts (Su et al. 2012. PubMed ID: 23288997; Yang et al. 2013. PubMed ID: 24074001). Based on this evidence, we interpret the c.160C>T (p.Arg54Cys) variant as pathogenic.

Blueprint Genetics
Classification: Likely pathogenic for CRYAA-related disorders. Last evaluated: 2024-07-26. Review status: criteria provided, single submitter. Criteria: ACMG Guidelines, 2015. Collection method: clinical testing. Allele origin: germline. Affected: yes. Observed: 3 variant alleles.

MGZ Medical Genetics Center
Classification: Pathogenic for Cataract 9 multiple types. Last evaluated: 2022-05-02. Review status: criteria provided, single submitter. Criteria: ACMG Guidelines, 2015. Collection method: clinical testing. Allele origin: germline. Affected: yes. Observed: 2 variant alleles.
Comment: ACMG criteria applied: PP1_STR, PS3_MOD, PM5, PS4_SUP, PM2_SUP

Revvity Omics, Revvity
Classification: Pathogenic for Cataract 9 multiple types. Last evaluated: 2021-05-25. Review status: criteria provided, single submitter. Criteria: ACMG Guidelines, 2015. Collection method: clinical testing. Allele origin: germline.

Labcorp Genetics (formerly Invitae), Labcorp
Classification: Pathogenic for Cataract 9 multiple types. Last evaluated: 2019-11-06. Review status: criteria provided, single submitter. Criteria: Invitae Variant Classification Sherloc (09022015). Collection method: clinical testing. Allele origin: germline.
Comment: This variant is not present in population databases (rs397515623, ExAC no frequency). For these reasons, this variant has been classified as Pathogenic. Experimental studies have shown that this variant affects the structure and function of the alpha-crystallin protein (PMID: 22045060, 22347476, 22140512, 23379525, 25018622, 25694240, 28179137). This variant has been reported to segregate in two families affected with bilateral punctate lenticular opacities and congenital cataracts associated with microcornea (PMID: 17937925, 18587492). Both individuals who were heterozygous for the variant and individuals who were homozygous for the variant were affected. ClinVar contains an entry for this variant (Variation ID: 68457). This sequence change replaces arginine with cysteine at codon 54 of the CRYAA protein (p.Arg54Cys). The arginine residue is highly conserved and there is a large physicochemical difference between arginine and cysteine.

Juno Genomics, Hangzhou Juno Genomics, Inc
Classification: Likely pathogenic for Cataract 9 multiple types. Review status: criteria provided, single submitter. Criteria: ACMG Guidelines, 2015. Collection method: clinical testing. Allele origin: germline.
Comment: Absent from controls (or at extremely low frequency if recessive) in Genome Aggregation Database.;Well-established in vitro or in vivo functional studies supportive of a damaging effect on the gene or gene product.;Co-segregation with disease in multiple affected family members.;For recessive disorders, detected in trans with a pathogenic variant.

Department of Ophthalmology, Flinders University
Classification: Pathogenic for Developmental cataract. Last evaluated: 2016-07-29. Review status: no assertion criteria provided. Collection method: clinical testing. Allele origin: inherited. Affected: yes. Not counted in ClinVar's aggregate classification.

OMIM
Classification: Pathogenic for CATARACT 9, TOTAL, WITH MICROCORNEA, AUTOSOMAL RECESSIVE. Last evaluated: 2007-12-01. Review status: no assertion criteria provided. Collection method: literature only. Allele origin: germline. Not counted in ClinVar's aggregate classification.

Literature cited by the submitters: PubMed 22045060 (cited by Labcorp Genetics (formerly Invitae), Labcorp); PubMed 22347476 (cited by Labcorp Genetics (formerly Invitae), Labcorp); PubMed 22140512 (cited by Labcorp Genetics (formerly Invitae), Labcorp); PubMed 23379525 (cited by Labcorp Genetics (formerly Invitae), Labcorp); PubMed 25018622 (cited by Labcorp Genetics (formerly Invitae), Labcorp); PubMed 25694240 (cited by Labcorp Genetics (formerly Invitae), Labcorp); PubMed 28179137 (cited by Labcorp Genetics (formerly Invitae), Labcorp); PubMed 17937925 (cited by Labcorp Genetics (formerly Invitae), Labcorp and OMIM); PubMed 18587492 (cited by Labcorp Genetics (formerly Invitae), Labcorp).